The following is an entry in ClinVar:

NM_001134407.3(GRIN2A):c.1715C>T (p.Ala572Val)

Gene: GRIN2A (glutamate ionotropic receptor NMDA type subunit 2A; minus strand). Cytogenetic location: 16p13.2.
Variant type: single nucleotide variant.
Coding change: c.1715C>T on transcript NM_001134407.3 (MANE Select); coding-DNA position 1715, C replaced by T.
Protein change: p.Ala572Val; replaces alanine 572 with valine.
Molecular consequence: missense variant.
Genome position (GRCh38, 1-based): chr16:9,834,167, G>A on the plus strand (C>T on the coding strand, the complement: GRIN2A is on the minus strand). VCF-style: chr16-9834167-G-A. GRCh37 (hg19) VCF-style: chr16-9928024-G-A.
Other names: c.1715C>T (NM_000833.3); c.1715C>T, p.Ala572Val (NM_000833.5, NM_001134408.2); short protein forms A572V.
Identifiers: ClinVar variation 1523097 (VCV001523097.7), dbSNP rs2141325435, ClinGen allele CA394800011.

ClinVar aggregate classification (germline): Uncertain significance. Review status: criteria provided, multiple submitters, no conflicts (2 of 4 stars). 2 submissions from 2 submitters: Uncertain significance (2). Last evaluated 2025-02-24.

Conditions:
Landau-Kleffner syndrome (FESD). Also called: EPILEPSY, FOCAL, WITH SPEECH DISORDER AND WITH OR WITHOUT MENTAL RETARDATION; APHASIA, ACQUIRED, WITH EPILEPSY. Identifiers: Orphanet 1945, Orphanet 725, Orphanet 98818, MedGen C0282512, MONDO:0009509, OMIM 245570.

Submissions (2):

Labcorp Genetics (formerly Invitae), Labcorp
Classification: Uncertain significance for Landau-Kleffner syndrome. Last evaluated: 2025-02-24. Review status: criteria provided, single submitter. Criteria: Invitae Variant Classification Sherloc (09022015). Collection method: clinical testing. Allele origin: germline.
Comment: This sequence change replaces alanine, which is neutral and non-polar, with valine, which is neutral and non-polar, at codon 572 of the GRIN2A protein (p.Ala572Val). This variant is not present in population databases (gnomAD no frequency). This variant has not been reported in the literature in individuals affected with GRIN2A-related conditions. ClinVar contains an entry for this variant (Variation ID: 1523097). Invitae Evidence Modeling of protein sequence and biophysical properties (such as structural, functional, and spatial information, amino acid conservation, physicochemical variation, residue mobility, and thermodynamic stability) has been performed for this missense variant. However, the output from this modeling did not meet the statistical confidence thresholds required to predict the impact of this variant on GRIN2A protein function. In summary, the available evidence is currently insufficient to determine the role of this variant in disease. Therefore, it has been classified as a Variant of Uncertain Significance.

GeneDx
Classification: Uncertain significance. Last evaluated: 2022-12-29. Review status: criteria provided, single submitter. Criteria: GeneDx Variant Classification Process June 2021. Collection method: clinical testing. Allele origin: germline. Affected: yes.
Comment: Not observed at significant frequency in large population cohorts (gnomAD); In silico analysis supports that this missense variant does not alter protein structure/function; Has not been previously published as pathogenic or benign to our knowledge; This variant is associated with the following publications: (PMID: 27839871)